The following is an entry in ClinVar:

ClinVar aggregate classification (germline): Uncertain significance (1 of 4 stars; one submission).

Conditions:
Autosomal dominant limb-girdle muscular dystrophy type 1G (LGMDD3). Also called: MUSCULAR DYSTROPHY, LIMB-GIRDLE, AUTOSOMAL DOMINANT 3; Limb-girdle muscular dystrophy, type 1G. Identifiers: Orphanet 55596, MedGen C1836765, MONDO:0012193, OMIM 609115.

Submission:

Labcorp Genetics (formerly Invitae), Labcorp
Classification: Uncertain significance for Autosomal dominant limb-girdle muscular dystrophy type 1G. Last evaluated: 2024-09-11. Review status: criteria provided, single submitter. Criteria: Invitae Variant Classification Sherloc (09022015). Collection method: clinical testing. Allele origin: germline.
Comment: This sequence change replaces leucine, which is neutral and non-polar, with serine, which is neutral and polar, at codon 14 of the HNRNPDL protein (p.Leu14Ser). This variant is not present in population databases (gnomAD no frequency). This variant has not been reported in the literature in individuals affected with HNRNPDL-related conditions. An algorithm developed to predict the effect of missense changes on protein structure and function (PolyPhen-2) suggests that this variant is likely to be disruptive. In summary, the available evidence is currently insufficient to determine the role of this variant in disease. Therefore, it has been classified as a Variant of Uncertain Significance.

NM_031372.4(HNRNPDL):c.41T>C (p.Leu14Ser)

Gene: HNRNPDL (heterogeneous nuclear ribonucleoprotein D like; minus strand). Cytogenetic location: 4q21.22.
Variant type: single nucleotide variant.
Coding change: c.41T>C on transcript NM_031372.4 (MANE Select); coding-DNA position 41, T replaced by C.
Protein change: p.Leu14Ser; replaces leucine 14 with serine.
Molecular consequence: missense variant. On other transcripts: non-coding transcript variant (1).
Genome position (GRCh38, 1-based): chr4:82,429,650, A>G on the plus strand (T>C on the coding strand, the complement: HNRNPDL is on the minus strand). VCF-style: chr4-82429650-A-G. GRCh37 (hg19) VCF-style: chr4-83350803-A-G.
Other names: c.41T>C, p.Leu14Ser (NM_001207000.1); short protein forms L14S.
Identifiers: ClinVar variation 3685912 (VCV003685912.2).